The following is an entry in ClinVar:

NM_004380.3(CREBBP):c.5961_5981delinsGCAT (p.Met1988fs)

Gene: CREBBP (CREB binding lysine acetyltransferase; minus strand). Cytogenetic location: 16p13.3.
Variant type: Indel.
Coding change: c.5961_5981delinsGCAT on transcript NM_004380.3 (MANE Select); coding-DNA positions 5961 to 5981, CATGGGGACCCCGGGGAGCCA replaced by GCAT.
Protein change: p.Met1988fs; shifts the reading frame from methionine 1988.
Molecular consequence: frameshift variant.
Genome position (GRCh38, 1-based): chr16:3,729,066-3,729,086, TGGCTCCCCGGGGTCCCCATG replaced by ATGC on the plus strand (CATGGGGACCCCGGGGAGCCA replaced by GCAT on the coding strand, the reverse complement: CREBBP is on the minus strand). VCF-style: chr16-3729066-TGGCTCCCCGGGGTCCCCATG-ATGC. GRCh37 (hg19) VCF-style: chr16-3779067-TGGCTCCCCGGGGTCCCCATG-ATGC.
Other names: c.5847_5867delinsGCAT, p.Met1950fs (NM_001079846.1); short protein forms M1950fs, M1988fs.
Identifiers: ClinVar variation 1676444 (VCV001676444.3), dbSNP rs2151306905, ClinGen allele CA2573152060.

ClinVar aggregate classification (germline): Likely pathogenic (1 of 4 stars; one submission).

Conditions:
Rubinstein-Taybi syndrome due to CREBBP mutations (RSTS1). Also called: RUBINSTEIN SYNDROME; Rubinstein-Taybi syndrome 1; CREBBP-Related Rubinstein-Taybi Syndrome; RUBINSTEIN-TAYBI SYNDROME 1, INCOMPLETE; BROAD THUMB-HALLUX SYNDROME; BROAD THUMBS AND GREAT TOES, CHARACTERISTIC FACIES, AND IMPAIRED INTELLECTUAL DEVELOPMENT. Identifiers: Orphanet 353277, Orphanet 783, MedGen C4551859, MONDO:0008393, OMIM 180849.
Menke-Hennekam syndrome 1 (MKHK1). Identifiers: MedGen C5193034, MONDO:0020763, OMIM 618332.

Submission:

Greenwood Genetic Center Diagnostic Laboratories, Greenwood Genetic Center
Classification: Likely pathogenic for Rubinstein-Taybi syndrome due to CREBBP mutations; Menke-Hennekam syndrome 1. Last evaluated: 2022-02-16. Review status: criteria provided, single submitter. Criteria: ACMG Guidelines, 2015. Collection method: clinical testing. Allele origin: germline. Affected: yes.
Comment: PVS1, PM2